The following is an entry in ClinVar:

NM_002470.4(MYH3):c.5017G>A (p.Ala1673Thr)

Gene: MYH3 (myosin heavy chain 3; minus strand). Cytogenetic location: 17p13.1.
Variant type: single nucleotide variant.
Coding change: c.5017G>A on transcript NM_002470.4 (MANE Select); coding-DNA position 5017, G replaced by A.
Protein change: p.Ala1673Thr; replaces alanine 1673 with threonine.
Molecular consequence: missense variant.
Genome position (GRCh38, 1-based): chr17:10,631,956, C>T on the plus strand (G>A on the coding strand, the complement: MYH3 is on the minus strand). VCF-style: chr17-10631956-C-T. GRCh37 (hg19) VCF-style: chr17-10535273-C-T.
Other names: short protein forms A1673T.
Identifiers: ClinVar variation 2122476 (VCV002122476.4), dbSNP rs2074164700, ClinGen allele CA398135594.
Genomic context (GRCh38, chr17:10,631,956, plus strand): 5'-GAGTAGCCCGCAGCTCCTCCACCTCGGCCTGCAGCAGGTTGGCTCTGCGCTCCACAATCG[C>T]CAGCTGCTCCTTCAGGTCCTCCTGGCCCCGGAGGGCATCATCCAGGTGGAGCTGCGTATC-3'
Protein context (NP_002461.2, residues 1663-1683): RGQEDLKEQL[Ala1673Thr]IVERRANLLQ

ClinVar aggregate classification (germline): Uncertain significance (1 of 4 stars; one submission).

Allele frequency attached by ClinVar (database versions not stated): TOPMed 0.00002.
gnomAD v4.1: 1 of 1,614,082 alleles (0.000062%); highest among the groups gnomAD compares: African/African-American, 0.0013%; no homozygotes.

Submission:

Labcorp Genetics (formerly Invitae), Labcorp
Classification: Uncertain significance. Last evaluated: 2024-11-06. Review status: criteria provided, single submitter. Criteria: Invitae Variant Classification Sherloc (09022015). Collection method: clinical testing. Allele origin: germline.
Comment: This sequence change replaces alanine, which is neutral and non-polar, with threonine, which is neutral and polar, at codon 1673 of the MYH3 protein (p.Ala1673Thr). This variant is not present in population databases (gnomAD no frequency). This variant has not been reported in the literature in individuals affected with MYH3-related conditions. ClinVar contains an entry for this variant (Variation ID: 2122476). Invitae Evidence Modeling of protein sequence and biophysical properties (such as structural, functional, and spatial information, amino acid conservation, physicochemical variation, residue mobility, and thermodynamic stability) indicates that this missense variant is not expected to disrupt MYH3 protein function with a negative predictive value of 95%. In summary, the available evidence is currently insufficient to determine the role of this variant in disease. Therefore, it has been classified as a Variant of Uncertain Significance.